The following is an entry in ClinVar:

ClinVar aggregate classification (germline): Uncertain significance (1 of 4 stars; one submission).

Conditions:
Charcot-Marie-Tooth disease axonal type 2P. Also called: Charcot-Marie-Tooth Neuropathy Type 2G; CHARCOT-MARIE-TOOTH DISEASE, AXONAL, TYPE 2G; CMT 2G; CHARCOT-MARIE-TOOTH NEUROPATHY, TYPE 2P. Identifiers: Orphanet 300319, Orphanet 99941, MedGen C3280797, MONDO:0013753, OMIM 614436.

Allele frequency attached by ClinVar (database versions not stated): gnomAD exomes below 0.00001; gnomAD 0.00001; TOPMed 0.00001.
gnomAD v4.1: 2 of 1,614,084 alleles (0.00012%); highest among the groups gnomAD compares: Non-Finnish European, 0.00017%; no homozygotes.

Submission:

Labcorp Genetics (formerly Invitae), Labcorp
Classification: Uncertain significance for Charcot-Marie-Tooth disease axonal type 2P. Last evaluated: 2022-07-22. Review status: criteria provided, single submitter. Criteria: Invitae Variant Classification Sherloc (09022015). Collection method: clinical testing. Allele origin: germline.
Comment: In summary, the available evidence is currently insufficient to determine the role of this variant in disease. Therefore, it has been classified as a Variant of Uncertain Significance. Algorithms developed to predict the effect of missense changes on protein structure and function (SIFT, PolyPhen-2, Align-GVGD) all suggest that this variant is likely to be disruptive. This variant has not been reported in the literature in individuals affected with LRSAM1-related conditions. This variant is not present in population databases (gnomAD no frequency). This sequence change replaces glycine, which is neutral and non-polar, with arginine, which is basic and polar, at codon 209 of the LRSAM1 protein (p.Gly209Arg).

NM_001005373.4(LRSAM1):c.625G>A (p.Gly209Arg)

Gene: LRSAM1 (leucine rich repeat and sterile alpha motif containing 1; plus strand). Cytogenetic location: 9q33.3.
Variant type: single nucleotide variant.
Coding change: c.625G>A on transcript NM_001005373.4 (MANE Select); coding-DNA position 625, G replaced by A.
Protein change: p.Gly209Arg; replaces glycine 209 with arginine.
Molecular consequence: missense variant. On other transcripts: 5 prime UTR variant (1), non-coding transcript variant (2).
Genome position (GRCh38, 1-based): chr9:127,473,806, G>A. VCF-style: chr9-127473806-G-A. GRCh37 (hg19) VCF-style: chr9-130236085-G-A.
Other names: c.625G>A, p.Gly209Arg (NM_001005374.4, NM_001190723.3, NM_001384142.1 and 2 more transcripts); c.-160G>A (NM_001384144.1); short protein forms G209R.
Identifiers: ClinVar variation 2421556 (VCV002421556.6), dbSNP rs1187621940, ClinGen allele CA374929616.